The following is an entry in ClinVar:

NM_001105206.3(LAMA4):c.900C>G (p.Ser300Arg)

Gene: LAMA4 (laminin subunit alpha 4; minus strand). Cytogenetic location: 6q21.
Variant type: single nucleotide variant.
Coding change: c.900C>G on transcript NM_001105206.3 (MANE Select); coding-DNA position 900, C replaced by G.
Protein change: p.Ser300Arg; replaces serine 300 with arginine.
Molecular consequence: missense variant.
Genome position (GRCh38, 1-based): chr6:112,187,516, G>C on the plus strand (C>G on the coding strand, the complement: LAMA4 is on the minus strand). VCF-style: chr6-112187516-G-C. GRCh37 (hg19) VCF-style: chr6-112508718-G-C.
Other names: c.879C>G, p.Ser293Arg (NM_001105207.3, NM_002290.5); short protein forms S300R, S293R.
Identifiers: ClinVar variation 3536959 (VCV003536959.1).
Genomic context (GRCh38, chr6:112,187,516, plus strand): 5'-GAGGTAGATGGTGGCGTTGATTTCATTCACGTGCCTATGAGCGGCGGCCCCAGAGGATAC[G>C]CTCAGCACCCCGGATTTGCCTTCCTCGATGGAGAGCGCTGCTAACCGCAGGTCATCAGTC-3'
Protein context (NP_001098676.2, residues 290-310): SIEEGKSGVL[Ser300Arg]VSSGAAAHRH

ClinVar aggregate classification (germline): Uncertain significance (1 of 4 stars; one submission).

Conditions:
Cardiovascular phenotype. Identifiers: MedGen CN230736.

Submission:

Ambry Genetics
Classification: Uncertain significance for Cardiovascular phenotype. Last evaluated: 2024-10-27. Review status: criteria provided, single submitter. Criteria: Ambry Variant Classification Scheme 2023. Collection method: clinical testing. Allele origin: germline.
Comment: The p.S293R variant (also known as c.879C>G), located in coding exon 7 of the LAMA4 gene, results from a C to G substitution at nucleotide position 879. The serine at codon 293 is replaced by arginine, an amino acid with dissimilar properties. This amino acid position is conserved. In addition, this alteration is predicted to be tolerated by in silico analysis. Based on the available evidence, the clinical significance of this variant remains unclear.